The following is an entry in ClinVar:

NM_030962.4(SBF2):c.3653-288G>A

Gene: SBF2 (SET binding factor 2; minus strand). Cytogenetic location: 11p15.4.
Variant type: single nucleotide variant.
Coding change: c.3653-288G>A on transcript NM_030962.4 (MANE Select); 288 bases into the intron before coding-DNA position 3653, G replaced by A.
Molecular consequence: intron variant.
Genome position (GRCh38, 1-based): chr11:9,829,784, C>T on the plus strand (G>A on the coding strand, the complement: SBF2 is on the minus strand). VCF-style: chr11-9829784-C-T. GRCh37 (hg19) VCF-style: chr11-9851331-C-T.
Other names: c.3524-288G>A (NM_001386342.1); c.3653-288G>A (NM_001386339.1).
Identifiers: ClinVar variation 671682 (VCV000671682.1), dbSNP rs67554498, ClinGen allele CA13501383.
Genomic context (GRCh38, chr11:9,829,784, plus strand): 5'-ATTATGCTTCCAGAAAGAGCCCAGGTCTGGAAAACCAGCACAGGGCTACCCTTCCAAGCA[C>T]AGATTGGGCTTGAAAGCACAGGGCATAGCTTCTCATTATCCAAGCAACTCAAAATGAAGA-3'

ClinVar aggregate classification (germline): Benign (1 of 4 stars; one submission).

Allele frequency attached by ClinVar (database versions not stated): gnomAD exomes 0.23564; gnomAD 0.29666 and 0.29993; TOPMed 0.30994; 1000 Genomes Project 0.32827; 1000 Genomes Project 30x 0.33229.
gnomAD v4.1: 101,758 of 392,112 alleles (26%); highest among the groups gnomAD compares: African/African-American, 48%; 15,250 homozygotes.

Submission:

GeneDx
Classification: Benign. Last evaluated: 2018-06-19. Review status: criteria provided, single submitter. Criteria: GeneDx Variant Classification (06012015). Collection method: clinical testing. Allele origin: germline. Affected: yes.
Comment: This variant is considered likely benign or benign based on one or more of the following criteria: it is a conservative change, it occurs at a poorly conserved position in the protein, it is predicted to be benign by multiple in silico algorithms, and/or has population frequency not consistent with disease.